The following is an entry in ClinVar:

ClinVar aggregate classification (germline): Uncertain significance. Review status: criteria provided, multiple submitters, no conflicts (2 of 4 stars). 2 submissions from 2 submitters: Uncertain significance (2). Last evaluated 2024-01-08.

Conditions:
Familial thoracic aortic aneurysm and aortic dissection (TAAD). Also called: Thoracic aortic aneurysms and dissections. Identifiers: Orphanet 91387, MedGen C4707243, MONDO:0019625.
Marfan syndrome (MFS). Also called: MARFAN SYNDROME, TYPE I; Marfan syndrome type 1; Marfan's syndrome; Marfan syndrome, classic; FBN1-Related Marfan Syndrome. Identifiers: Orphanet 284963, Orphanet 558, MedGen C0024796, MONDO:0007947, OMIM 154700.

Submissions (2):

All of Us Research Program, National Institutes of Health
Classification: Uncertain significance for Marfan syndrome. Last evaluated: 2024-01-08. Review status: criteria provided, single submitter. Criteria: ACMG Guidelines, 2015. Collection method: clinical testing. Allele origin: germline. Inheritance: Autosomal dominant inheritance. Observed: 1 variant allele, 1 heterozygote.
Comment: This missense variant replaces valine with phenylalanine at codon 266 of the FBN1 protein. Computational prediction suggests that this variant may have deleterious impact on protein structure and function (internally defined REVEL score threshold >= 0.7, PMID: 27666373). To our knowledge, functional studies have not been reported for this variant. This variant has not been reported in individuals affected with FBN1-related disorders in the literature. This variant has not been identified in the general population by the Genome Aggregation Database (gnomAD). The available evidence is insufficient to determine the role of this variant in disease conclusively. Therefore, this variant is classified as a Variant of Uncertain Significance.

This study involves interpretation of variants in research participants for the purpose of population health screening. Participant phenotype was not available at the time of variant classification. Additional details can be found in publication PMID: 35346344, PMCID: PMC8962531

Color Diagnostics, LLC DBA Color Health
Classification: Uncertain significance for Familial thoracic aortic aneurysm and aortic dissection. Last evaluated: 2023-11-15. Review status: criteria provided, single submitter. Criteria: ACMG Guidelines, 2015. Collection method: clinical testing. Allele origin: germline.
Comment: This missense variant replaces valine with phenylalanine at codon 266 of the FBN1 protein. Computational prediction suggests that this variant may have deleterious impact on protein structure and function (internally defined REVEL score threshold >= 0.7, PMID: 27666373). To our knowledge, functional studies have not been reported for this variant. This variant has not been reported in individuals affected with FBN1-related disorders in the literature. This variant has not been identified in the general population by the Genome Aggregation Database (gnomAD). The available evidence is insufficient to determine the role of this variant in disease conclusively. Therefore, this variant is classified as a Variant of Uncertain Significance.

NM_000138.5(FBN1):c.796G>T (p.Val266Phe)

Gene: FBN1 (fibrillin 1; minus strand). Cytogenetic location: 15q21.1.
Variant type: single nucleotide variant.
Coding change: c.796G>T on transcript NM_000138.5 (MANE Select); coding-DNA position 796, G replaced by T.
Protein change: p.Val266Phe; replaces valine 266 with phenylalanine.
Molecular consequence: missense variant.
Genome position (GRCh38, 1-based): chr15:48,534,146, C>A on the plus strand (G>T on the coding strand, the complement: FBN1 is on the minus strand). VCF-style: chr15-48534146-C-A. GRCh37 (hg19) VCF-style: chr15-48826343-C-A.
Other names: c.796G>T, p.Val266Phe (NM_001406716.1, NM_001406717.1); short protein forms V266F.
Identifiers: ClinVar variation 3075284 (VCV003075284.2), dbSNP rs201669595, ClinGen allele CA392352564.